The following is an entry in ClinVar:

ClinVar aggregate classification (germline): Pathogenic (1 of 4 stars; one submission).

Conditions:
Hereditary factor VIII deficiency disease (HEMA). Also called: AUTOSOMAL HEMOPHILIA A; Hemophilia A; Hemophilia A, congenital; HEM A; Factor 8 deficiency, congenital; HEMOPHILIA, CLASSIC. Identifiers: Orphanet 98878, MedGen C0019069, MONDO:0010602, OMIM 306700.

Submission:

Clinical Genetics Laboratory, Skane University Hospital Lund
Classification: Pathogenic for Hereditary factor VIII deficiency disease. Last evaluated: 2026-03-16. Review status: criteria provided, single submitter. Criteria: ACMG Guidelines, 2015. Collection method: clinical testing. Allele origin: germline. Inheritance: X-linked inheritance. Affected: yes.
Comment: F8 (NM_000132.4) c.4546A>T, p.(Lys1516*) represents a nucleotide substitution in exon 14 of 26 which leads to a premature stop codon and thereby a truncated protein or loss of protein expression from the gene. F8 c.4546A>T has not been detected in men in the normal population (gnomAD v4.1.0) and is not previously reported in ClinVar nor in the hemophilia specific databases (EAHAD and CHAMP). The variant has been classified as pathogenic using gene-specific criteria (ClinGen Coagulation Factor Deficiency Expert Panel Specifications to the ACMG/AMP Variant Interpretation Guidelines for F8 Version 2.0.0): PVS1, PM2_Supporting, PP1_Supporting.

NM_000132.4(F8):c.4546A>T (p.Lys1516Ter)

Gene: F8 (coagulation factor VIII; minus strand). Cytogenetic location: Xq28.
Variant type: single nucleotide variant.
Coding change: c.4546A>T on transcript NM_000132.4 (MANE Select); coding-DNA position 4546, A replaced by T.
Protein change: p.Lys1516Ter; replaces lysine 1516 with a stop codon.
Molecular consequence: nonsense.
Genome position (GRCh38, 1-based): chrX:154,929,244, T>A on the plus strand (A>T on the coding strand, the complement: F8 is on the minus strand). VCF-style: chrX-154929244-T-A. GRCh37 (hg19) VCF-style: chrX-154157519-T-A.
Other names: short protein forms K1516*.
Identifiers: ClinVar variation 4813624 (VCV004813624.1).